The following is an entry in ClinVar:

NM_032043.3(BRIP1):c.355_362dup (p.Ser122fs)

Gene: BRIP1 (BRCA1 interacting DNA helicase 1; minus strand). Cytogenetic location: 17q23.2.
Variant type: Duplication.
Coding change: c.355_362dup on transcript NM_032043.3 (MANE Select); coding-DNA positions 355 to 362, 8 bases duplicated (AATGGCAC; older notation c.355_362dupAATGGCAC).
Protein change: p.Ser122fs; shifts the reading frame from serine 122.
Molecular consequence: frameshift variant.
Genome position (GRCh38, 1-based): chr17:61,857,075-61,857,082, GTGCCATT duplicated on the plus strand (AATGGCAC on the coding strand, the reverse complement: BRIP1 is on the minus strand). VCF-style (leftmost placement, unchanged base first): chr17-61857074-A-AGTGCCATT. GRCh37 (hg19) VCF-style: chr17-59934435-A-AGTGCCATT.
Other names: c.355_362dupAATGGCAC (NM_032043.2); short protein forms S122fs.
Identifiers: ClinVar variation 1377837 (VCV001377837.8), dbSNP rs2145826463, ClinGen allele CA2573154322.

ClinVar aggregate classification (germline): Pathogenic. Review status: criteria provided, multiple submitters, no conflicts (2 of 4 stars). 2 submissions from 2 submitters: Pathogenic (2). Last evaluated 2026-03-12.

Conditions:
Hereditary cancer-predisposing syndrome. Also called: Hereditary neoplastic syndrome; Tumor predisposition; Neoplastic Syndromes, Hereditary; Hereditary Cancer Syndrome. Identifiers: Orphanet 140162, MedGen C0027672, MeSH D009386, MONDO:0015356.
Fanconi anemia complementation group J. Also called: BRIP1-Related Fanconi Anemia. Identifiers: Orphanet 84, MedGen C1836860, MONDO:0012187, OMIM 609054.
Familial cancer of breast. Also called: Hereditary breast cancer; hereditary breast carcinoma; BREAST CANCER, FAMILIAL. Identifiers: Orphanet 227535, MedGen C0346153, MONDO:0016419, OMIM 114480. Disease mechanism: loss of function.

Allele frequency attached by ClinVar (database versions not stated): gnomAD exomes below 0.00001.

Submissions (2):

Ambry Genetics
Classification: Pathogenic for Hereditary cancer-predisposing syndrome. Last evaluated: 2026-03-12. Review status: criteria provided, single submitter. Criteria: Ambry Variant Classification Scheme 2023. Collection method: clinical testing. Allele origin: germline.
Comment: The c.355_362dupAATGGCAC pathogenic mutation, located in coding exon 3 of the BRIP1 gene, results from a duplication of AATGGCAC at nucleotide position 355, causing a translational frameshift with a predicted alternate stop codon (p.S122Mfs*38). This variant is considered to be rare based on population cohorts in the Genome Aggregation Database (gnomAD). This alteration is expected to result in loss of function by premature protein truncation or nonsense-mediated mRNA decay. As such, this alteration is interpreted as a disease-causing mutation.

Labcorp Genetics (formerly Invitae), Labcorp
Classification: Pathogenic for Familial cancer of breast; Fanconi anemia complementation group J. Last evaluated: 2021-02-14. Review status: criteria provided, single submitter. Criteria: Invitae Variant Classification Sherloc (09022015). Collection method: clinical testing. Allele origin: germline.
Comment: For these reasons, this variant has been classified as Pathogenic. This variant has not been reported in the literature in individuals with BRIP1-related conditions. This sequence change creates a premature translational stop signal (p.Ser122Metfs*38) in the BRIP1 gene. It is expected to result in an absent or disrupted protein product. Loss-of-function variants in BRIP1 are known to be pathogenic (PMID: 16116423, 17033622, 21964575). This variant is not present in population databases (ExAC no frequency).

Literature cited by the submitters: PubMed 16116423 (cited by Labcorp Genetics (formerly Invitae), Labcorp); PubMed 17033622 (cited by Labcorp Genetics (formerly Invitae), Labcorp); PubMed 21964575 (cited by Labcorp Genetics (formerly Invitae), Labcorp).